The following is an entry in ClinVar:

NM_001012339.3(DNAJC21):c.701A>G (p.Lys234Arg)

Gene: DNAJC21 (DnaJ heat shock protein family (Hsp40) member C21; plus strand). Cytogenetic location: 5p13.2.
Variant type: single nucleotide variant.
Coding change: c.701A>G on transcript NM_001012339.3 (MANE Select); coding-DNA position 701, A replaced by G.
Protein change: p.Lys234Arg; replaces lysine 234 with arginine.
Molecular consequence: missense variant.
Genome position (GRCh38, 1-based): chr5:34,937,588, A>G. VCF-style: chr5-34937588-A-G. GRCh37 (hg19) VCF-style: chr5-34937693-A-G.
Other names: c.701A>G, p.Lys234Arg (NM_001348420.2, NM_194283.4); short protein forms K234R.
Identifiers: ClinVar variation 1508157 (VCV001508157.8), dbSNP rs765344696, ClinGen allele CA3228527.

ClinVar aggregate classification (germline): Uncertain significance (1 of 4 stars; one submission).

Allele frequency attached by ClinVar (database versions not stated): gnomAD exomes below 0.00001; ExAC 0.00001.
gnomAD v4.1: 2 of 1,613,772 alleles (0.00012%); highest among the groups gnomAD compares: South Asian, 0.0022%; no homozygotes.

Submission:

Labcorp Genetics (formerly Invitae), Labcorp
Classification: Uncertain significance. Last evaluated: 2021-05-25. Review status: criteria provided, single submitter. Criteria: Invitae Variant Classification Sherloc (09022015). Collection method: clinical testing. Allele origin: germline.
Comment: Algorithms developed to predict the effect of missense changes on protein structure and function are either unavailable or do not agree on the potential impact of this missense change (SIFT: "Deleterious"; PolyPhen-2: "Benign"; Align-GVGD: "Class C0"). In summary, the available evidence is currently insufficient to determine the role of this variant in disease. Therefore, it has been classified as a Variant of Uncertain Significance. This variant has not been reported in the literature in individuals with DNAJC21-related conditions. This variant is present in population databases (rs765344696, ExAC 0.006%). This sequence change replaces lysine with arginine at codon 234 of the DNAJC21 protein (p.Lys234Arg). The lysine residue is highly conserved and there is a small physicochemical difference between lysine and arginine.